The following is an entry in ClinVar:

ClinVar aggregate classification (germline): Uncertain significance. Review status: criteria provided, multiple submitters, no conflicts (2 of 4 stars). 2 submissions from 2 submitters: Uncertain significance (2). Last evaluated 2025-08-27.

Conditions:
Hereditary cancer-predisposing syndrome. Also called: Neoplastic Syndromes, Hereditary; Tumor predisposition; Hereditary Cancer Syndrome; Hereditary neoplastic syndrome. Identifiers: Orphanet 140162, MedGen C0027672, MeSH D009386, MONDO:0015356.
Familial adenomatous polyposis 2. Also called: Adenomas, multiple colorectal; MUTYH Polyposis; COLORECTAL ADENOMATOUS POLYPOSIS, AUTOSOMAL RECESSIVE; ADENOMAS, MULTIPLE COLORECTAL, AUTOSOMAL RECESSIVE; MUTYH-associated polyposis; MUTYH-related attenuated familial adenomatous polyposis. Identifiers: Orphanet 220460, Orphanet 247798, MedGen C3272841, MONDO:0012041, OMIM 608456.

Allele frequency attached by ClinVar (database versions not stated): gnomAD exomes below 0.00001 and 0.00001; ExAC 0.00002.
gnomAD v4.1: 2 of 1,614,250 alleles (0.00012%); highest among the groups gnomAD compares: Non-Finnish European, 0.000085%; no homozygotes.

Submissions (2):

Ambry Genetics
Classification: Uncertain significance for Hereditary cancer-predisposing syndrome. Last evaluated: 2025-08-27. Review status: criteria provided, single submitter. Criteria: Ambry Variant Classification Scheme 2023. Collection method: clinical testing. Allele origin: germline.
Comment: The p.E303K variant (also known as c.907G>A), located in coding exon 10 of the MUTYH gene, results from a G to A substitution at nucleotide position 907. The glutamic acid at codon 303 is replaced by lysine, an amino acid with similar properties. This amino acid position is conserved. In addition, the in silico prediction for this alteration is inconclusive. Based on the available evidence, the clinical significance of this variant remains unclear.

Labcorp Genetics (formerly Invitae), Labcorp
Classification: Uncertain significance for Familial adenomatous polyposis 2. Last evaluated: 2022-03-18. Review status: criteria provided, single submitter. Criteria: Invitae Variant Classification Sherloc (09022015). Collection method: clinical testing. Allele origin: germline.
Comment: This sequence change replaces glutamic acid, which is acidic and polar, with lysine, which is basic and polar, at codon 303 of the MUTYH protein (p.Glu303Lys). This variant is present in population databases (rs752934398, gnomAD 0.002%). This variant has not been reported in the literature in individuals affected with MUTYH-related conditions. ClinVar contains an entry for this variant (Variation ID: 947330). Algorithms developed to predict the effect of missense changes on protein structure and function (SIFT, PolyPhen-2, Align-GVGD) all suggest that this variant is likely to be tolerated. In summary, the available evidence is currently insufficient to determine the role of this variant in disease. Therefore, it has been classified as a Variant of Uncertain Significance.

NM_001048174.2(MUTYH):c.823G>A (p.Glu275Lys)

Gene: MUTYH (mutY DNA glycosylase; minus strand). Cytogenetic location: 1p34.1.
Variant type: single nucleotide variant.
Coding change: c.823G>A on transcript NM_001048174.2 (MANE Select); coding-DNA position 823, G replaced by A.
Protein change: p.Glu275Lys; replaces glutamic acid 275 with lysine.
Molecular consequence: missense variant. On other transcripts: non-coding transcript variant (2).
Genome position (GRCh38, 1-based): chr1:45,332,192, C>T on the plus strand (G>A on the coding strand, the complement: MUTYH is on the minus strand). VCF-style: chr1-45332192-C-T. GRCh37 (hg19) VCF-style: chr1-45797864-C-T.
Other names: c.823G>A, p.Glu275Lys (NM_001048171.2, NM_001048173.2, NM_001293195.2); c.826G>A, p.Glu276Lys (NM_001048172.2); c.907G>A, p.Glu303Lys (NM_001128425.2); c.868G>A, p.Glu290Lys (NM_001293190.2); c.856G>A, p.Glu286Lys (NM_001293191.2); c.547G>A, p.Glu183Lys (NM_001293192.2, NM_001293196.2); c.478G>A, p.Glu160Lys (NM_001350650.2, NM_001350651.2); c.898G>A, p.Glu300Lys (NM_012222.3); short protein forms E160K, E183K, E275K, E286K, E290K, E300K, E303K, E276K.
Identifiers: ClinVar variation 947330 (VCV000947330.12), dbSNP rs752934398, ClinGen allele CA059569.